The following is an entry in ClinVar:

ClinVar aggregate classification (germline): Pathogenic (1 of 4 stars; one submission).

Submission:

Labcorp Genetics (formerly Invitae), Labcorp
Classification: Pathogenic. Last evaluated: 2025-06-06. Review status: criteria provided, single submitter. Criteria: Invitae Variant Classification Sherloc (09022015). Collection method: clinical testing. Allele origin: germline.
Comment: This sequence change creates a premature translational stop signal (p.Asn39Ilefs*4) in the ELOVL4 gene. It is expected to result in an absent or disrupted protein product. Loss-of-function variants in ELOVL4 are known to be pathogenic (PMID: 24571530). This variant is not present in population databases (gnomAD no frequency). This variant has not been reported in the literature in individuals affected with ELOVL4-related conditions. For these reasons, this variant has been classified as Pathogenic.

Literature cited by the submitters: PubMed 24571530.

NM_022726.4(ELOVL4):c.116del (p.Asn39fs)

Gene: ELOVL4 (ELOVL fatty acid elongase 4; minus strand). Cytogenetic location: 6q14.1.
Variant type: Deletion.
Coding change: c.116del on transcript NM_022726.4 (MANE Select); coding-DNA position 116, one base deleted (A; older notation c.116delA).
Protein change: p.Asn39fs; shifts the reading frame from asparagine 39.
Molecular consequence: frameshift variant.
Genome position (GRCh38, 1-based): chr6:79,926,366, T deleted on the plus strand (A on the coding strand, the reverse complement: ELOVL4 is on the minus strand); the first of 4 consecutive T bases (chr6:79,926,366-79,926,369); deleting any one gives the same sequence. VCF-style (leftmost placement, unchanged base first): chr6-79926365-AT-A. GRCh37 (hg19) VCF-style: chr6-80636082-AT-A.
Other names: short protein forms N39fs.
Identifiers: ClinVar variation 4692951 (VCV004692951.1).